The following is an entry in ClinVar:

NM_004168.4(SDHA):c.276G>A (p.Lys92=)

Gene: SDHA (succinate dehydrogenase complex flavoprotein subunit A; plus strand). Cytogenetic location: 5p15.33.
Variant type: single nucleotide variant.
Coding change: c.276G>A on transcript NM_004168.4 (MANE Select); coding-DNA position 276, G replaced by A.
Protein change: p.Lys92=; no amino-acid change (lysine 92 retained).
Molecular consequence: synonymous variant.
Genome position (GRCh38, 1-based): chr5:224,485, G>A. VCF-style: chr5-224485-G-A. GRCh37 (hg19) VCF-style: chr5-224600-G-A.
Other names: c.276G>A, p.Lys92= (NM_001294332.2, NM_001330758.2).
Identifiers: ClinVar variation 1121429 (VCV001121429.12), dbSNP rs375298039, ClinGen allele CA442690913.

ClinVar aggregate classification (germline): Benign/Likely benign. Review status: criteria provided, multiple submitters, no conflicts (2 of 4 stars). 3 submissions from 3 submitters: Benign (1); Likely benign (2). Last evaluated 2025-10-07.

Conditions:
Pheochromocytoma/paraganglioma syndrome 5. Also called: Paragangliomas 5; SDHA-Related Hereditary Paraganglioma-Pheochromocytoma Syndrome. Identifiers: Orphanet 29072, MedGen C3279992, MONDO:0013602, OMIM 614165.
Mitochondrial complex II deficiency, nuclear type 1. Also called: SUCCINATE CoQ REDUCTASE DEFICIENCY. Identifiers: Orphanet 3208, MedGen C5700310, MONDO:0100294, OMIM 252011.
Hereditary cancer-predisposing syndrome. Also called: Tumor predisposition; Neoplastic Syndromes, Hereditary; Hereditary Cancer Syndrome; Hereditary neoplastic syndrome. Identifiers: Orphanet 140162, MedGen C0027672, MeSH D009386, MONDO:0015356.

Submissions (3):

Labcorp Genetics (formerly Invitae), Labcorp
Classification: Likely benign for Pheochromocytoma/paraganglioma syndrome 5; Mitochondrial complex II deficiency, nuclear type 1. Last evaluated: 2025-10-07. Review status: criteria provided, single submitter. Criteria: Invitae Variant Classification Sherloc (09022015). Collection method: clinical testing. Allele origin: germline.

Myriad Genetics, Inc.
Classification: Benign for Pheochromocytoma/paraganglioma syndrome 5. Last evaluated: 2025-02-28. Review status: criteria provided, single submitter. Criteria: Myriad Autosomal Dominant, Autosomal Recessive and X-Linked Classification Criteria (2023). Collection method: clinical testing. Allele origin: unknown.
Comment: This variant is considered benign. This variant is a silent/synonymous amino acid change and it is not expected to impact splicing.

Ambry Genetics
Classification: Likely benign for Hereditary cancer-predisposing syndrome. Last evaluated: 2021-11-17. Review status: criteria provided, single submitter. Criteria: Ambry Variant Classification Scheme 2023. Collection method: clinical testing. Allele origin: germline.